The following is an entry in ClinVar:

ClinVar aggregate classification (germline): Uncertain significance (1 of 4 stars; one submission).

Conditions:
Propionic acidemia (PROP). Also called: GLYCINEMIA, KETOTIC; HYPERGLYCINEMIA WITH KETOACIDOSIS AND LEUKOPENIA; KETOTIC HYPERGLYCINEMIA. Identifiers: Orphanet 35, MedGen C0268579, MONDO:0011628, OMIM 606054, HP:0003571.

Allele frequency attached by ClinVar (database versions not stated): gnomAD exomes 0.00002; ExAC 0.00005; gnomAD 0.00005.
gnomAD v4.1: 41 of 1,613,988 alleles (0.0025%); highest among the groups gnomAD compares: Admixed American, 0.013%; no homozygotes.

Submission:

Labcorp Genetics (formerly Invitae), Labcorp
Classification: Uncertain significance for Propionic acidemia. Last evaluated: 2022-07-05. Review status: criteria provided, single submitter. Criteria: Invitae Variant Classification Sherloc (09022015). Collection method: clinical testing. Allele origin: germline.
Comment: This sequence change replaces asparagine, which is neutral and polar, with serine, which is neutral and polar, at codon 335 of the PCCB protein (p.Asn335Ser). This variant is present in population databases (rs775364976, gnomAD 0.01%). This variant has not been reported in the literature in individuals affected with PCCB-related conditions. Advanced modeling of protein sequence and biophysical properties (such as structural, functional, and spatial information, amino acid conservation, physicochemical variation, residue mobility, and thermodynamic stability) performed at Invitae indicates that this missense variant is not expected to disrupt PCCB protein function. In summary, the available evidence is currently insufficient to determine the role of this variant in disease. Therefore, it has been classified as a Variant of Uncertain Significance.

NM_000532.5(PCCB):c.1004A>G (p.Asn335Ser)

Gene: PCCB (propionyl-CoA carboxylase subunit beta; plus strand). Cytogenetic location: 3q22.3.
Variant type: single nucleotide variant.
Coding change: c.1004A>G on transcript NM_000532.5 (MANE Select); coding-DNA position 1004, A replaced by G.
Protein change: p.Asn335Ser; replaces asparagine 335 with serine.
Molecular consequence: missense variant.
Genome position (GRCh38, 1-based): chr3:136,316,978, A>G. VCF-style: chr3-136316978-A-G. GRCh37 (hg19) VCF-style: chr3-136035820-A-G.
Other names: c.1064A>G, p.Asn355Ser (NM_001178014.2); short protein forms N355S, N335S.
Identifiers: ClinVar variation 2188101 (VCV002188101.1), dbSNP rs775364976, ClinGen allele CA2631983.
Genomic context (GRCh38, chr3:136,316,978, plus strand): 5'-CAGAAGTAAATTTATTCCTGCAGGTTGTTGATGAGCGTGAATTTTTTGAGATCATGCCCA[A>G]TTATGCCAAGAACATCATTGTTGGTTTTGCAAGAATGAATGGGAGGACTGTTGGAATTGT-3'
Protein context (NP_000523.2, residues 325-345): DEREFFEIMP[Asn335Ser]YAKNIIVGFA